The following is an entry in ClinVar:

NM_003859.3(DPM1):c.117C>T (p.Asn39=)

Genes: DPM1 (dolichyl-phosphate mannosyltransferase subunit 1, catalytic; minus strand), LOC130066166 (ATAC-STARR-seq lymphoblastoid active region 18108; plus strand). Cytogenetic location: 20q13.13.
Variant type: single nucleotide variant.
Coding change: c.117C>T on transcript NM_003859.3 (MANE Select); coding-DNA position 117, C replaced by T.
Protein change: p.Asn39=; no amino-acid change (asparagine 39 retained).
Molecular consequence: synonymous variant. On other transcripts: non-coding transcript variant (1).
Genome position (GRCh38, 1-based): chr20:50,958,407, G>A on the plus strand (C>T on the coding strand, the complement: DPM1 is on the minus strand). VCF-style: chr20-50958407-G-A. GRCh37 (hg19) VCF-style: chr20-49574944-G-A.
Other names: c.117C>T, p.Asn39= (NM_001317034.1, NM_001317035.1, NM_001317036.1); c.117C>T (NM_003859.2).
Identifiers: ClinVar variation 1130772 (VCV001130772.11), dbSNP rs1488509110, ClinGen allele CA510881604.

ClinVar aggregate classification (germline): Likely benign. Review status: criteria provided, single submitter (1 of 4 stars). 2 submissions from 2 submitters: Likely benign (1). 1 of the submissions does not count toward it. Last evaluated 2022-12-06.

Conditions:
Congenital disorder of glycosylation type 1E (CDG1E). Also called: CONGENITAL DISORDER OF GLYCOSYLATION, TYPE Ie; CDG Ie. Identifiers: Orphanet 79322, MedGen C1837396, MONDO:0012123, OMIM 608799.
DPM1-related disorder. Also called: DPM1-related condition.

Allele frequency attached by ClinVar (database versions not stated): gnomAD exomes below 0.00001.
gnomAD v4.1: 7 of 1,613,946 alleles (0.00043%); highest among the groups gnomAD compares: East Asian, 0.016%; no homozygotes.

Submissions (2):

Labcorp Genetics (formerly Invitae), Labcorp
Classification: Likely benign for Congenital disorder of glycosylation type 1E. Last evaluated: 2022-12-06. Review status: criteria provided, single submitter. Criteria: Invitae Variant Classification Sherloc (09022015). Collection method: clinical testing. Allele origin: germline.

PreventionGenetics, part of Exact Sciences
Classification: Likely benign for DPM1-related condition. Last evaluated: 2019-08-08. Review status: no assertion criteria provided. Collection method: clinical testing. Allele origin: germline. Not counted in ClinVar's aggregate classification.
Comment: This variant is classified as likely benign based on ACMG/AMP sequence variant interpretation guidelines (Richards et al. 2015 PMID: 25741868, with internal and published modifications).